The following is an entry in ClinVar:

ClinVar aggregate classification (germline): Likely pathogenic (1 of 4 stars; one submission).

Conditions:
Alkaptonuria (AKU). Also called: Homogentisic acidura; Alkaptonuric ochronosis; Alcaptonuria; HOMOGENTISIC ACID OXIDASE DEFICIENCY. Identifiers: Orphanet 56, MedGen C0002066, MONDO:0008753, OMIM 203500.

Submission:

Labcorp Genetics (formerly Invitae), Labcorp
Classification: Likely pathogenic for Alkaptonuria. Last evaluated: 2021-06-02. Review status: criteria provided, single submitter. Criteria: Invitae Variant Classification Sherloc (09022015). Collection method: clinical testing. Allele origin: germline.
Comment: This sequence change affects an acceptor splice site in intron 10 of the HGD gene. It is expected to disrupt RNA splicing. Variants that disrupt the donor or acceptor splice site typically lead to a loss of protein function (PMID: 16199547), and loss-of-function variants in HGD are known to be pathogenic (PMID: 12501223, 19862842). This variant is not present in population databases (ExAC no frequency). This variant has not been reported in the literature in individuals with HGD-related conditions. Algorithms developed to predict the effect of sequence changes on RNA splicing suggest that this variant may disrupt the consensus splice site, but this prediction has not been confirmed by published transcriptional studies. In summary, the currently available evidence indicates that the variant is pathogenic, but additional data are needed to prove that conclusively. Therefore, this variant has been classified as Likely Pathogenic.

Literature cited by the submitters: PubMed 16199547; PubMed 12501223; PubMed 19862842.

NM_000187.4(HGD):c.775-1G>A

Gene: HGD (homogentisate 1,2-dioxygenase; minus strand). Cytogenetic location: 3q13.33.
Variant type: single nucleotide variant.
Coding change: c.775-1G>A on transcript NM_000187.4 (MANE Select); the canonical splice acceptor site of the intron before coding-DNA position 775, G replaced by A.
Molecular consequence: splice acceptor variant.
Genome position (GRCh38, 1-based): chr3:120,641,694, C>T on the plus strand (G>A on the coding strand, the complement: HGD is on the minus strand). VCF-style: chr3-120641694-C-T. GRCh37 (hg19) VCF-style: chr3-120360541-C-T.
Identifiers: ClinVar variation 1499070 (VCV001499070.9), dbSNP rs2107502859, ClinGen allele CA354074082.